The following is an entry in ClinVar:

ClinVar aggregate classification (germline): Uncertain significance (1 of 4 stars; one submission).

Conditions:
Inborn genetic diseases. Identifiers: MedGen C0950123, MeSH D030342.

Allele frequency attached by ClinVar (database versions not stated): gnomAD exomes below 0.00001.
gnomAD v4.1: 2 of 1,610,948 alleles (0.00012%); highest among the groups gnomAD compares: African/African-American, 0.0027%; no homozygotes.

Submission:

Ambry Genetics
Classification: Uncertain significance for Inborn genetic diseases. Last evaluated: 2024-04-27. Review status: criteria provided, single submitter. Criteria: Ambry Variant Classification Scheme 2023. Collection method: clinical testing. Allele origin: germline.
Comment: The p.T1176I variant (also known as c.3527C>T), located in coding exon 26 of the LRRK2 gene, results from a C to T substitution at nucleotide position 3527. The threonine at codon 1176 is replaced by isoleucine, an amino acid with similar properties. This amino acid position is conserved. In addition, the in silico prediction for this alteration is inconclusive. Since supporting evidence is limited at this time, the clinical significance of this alteration remains unclear.

NM_198578.4(LRRK2):c.3527C>T (p.Thr1176Ile)

Gene: LRRK2 (leucine rich repeat kinase 2; plus strand). Cytogenetic location: 12q12.
Variant type: single nucleotide variant.
Coding change: c.3527C>T on transcript NM_198578.4 (MANE Select); coding-DNA position 3527, C replaced by T.
Protein change: p.Thr1176Ile; replaces threonine 1176 with isoleucine.
Molecular consequence: missense variant.
Genome position (GRCh38, 1-based): chr12:40,302,819, C>T. VCF-style: chr12-40302819-C-T. GRCh37 (hg19) VCF-style: chr12-40696621-C-T.
Other names: short protein forms T1176I.
Identifiers: ClinVar variation 1732313 (VCV001732313.3), dbSNP rs201522730, ClinGen allele CA384416363.
Genomic context (GRCh38, chr12:40,302,819, plus strand): 5'-AAAATGTTTATCTCATTTTTTTTCTTTTAGCTGCTATGCCTTTCTTGCCTCCTTCTATGA[C>T]AATCCTAAAATTATCTCAGAACAAATTTTCCTGTATTCCAGAAGCAATTTTAAATCTTCC-3'
Protein context (NP_940980.4, residues 1166-1186): AAMPFLPPSM[Thr1176Ile]ILKLSQNKFS